The following is an entry in ClinVar:

NM_000693.4(ALDH1A3):c.976G>A (p.Val326Ile)

Genes: ALDH1A3 (aldehyde dehydrogenase 1 family member A3; plus strand), ALDH1A3-AS1 (ALDH1A3 antisense RNA 1; minus strand). Cytogenetic location: 15q26.3.
Variant type: single nucleotide variant.
Coding change: c.976G>A on transcript NM_000693.4 (MANE Select); coding-DNA position 976, G replaced by A.
Protein change: p.Val326Ile; replaces valine 326 with isoleucine.
Molecular consequence: missense variant.
Genome position (GRCh38, 1-based): chr15:100,900,667, G>A. VCF-style: chr15-100900667-G-A. GRCh37 (hg19) VCF-style: chr15-101440872-G-A.
Other names: c.655G>A, p.Val219Ile (NM_001293815.2); short protein forms V326I, V219I.
Identifiers: ClinVar variation 5001956 (VCV005001956.1).

ClinVar aggregate classification (germline): Uncertain significance (1 of 4 stars; one submission).

Conditions:
ALDH1A3-related disorder. Also called: ALDH1A3-related condition.

Submission:

PreventionGenetics, part of Exact Sciences
Classification: Uncertain significance for ALDH1A3-related condition. Last evaluated: 2025-08-01. Review status: criteria provided, single submitter. Criteria: ACMG Guidelines, 2015. Collection method: clinical testing. Allele origin: germline.
Comment: The ALDH1A3 c.976G>A variant is predicted to result in the amino acid substitution p.Val326Ile. To our knowledge, this variant has not been reported in the literature or in a large population database (gnomAD), indicating this variant is rare. At this time, the clinical significance of this variant is uncertain due to the absence of conclusive functional and genetic evidence.